The following is an entry in ClinVar:

ClinVar aggregate classification (germline): Uncertain significance (1 of 4 stars; one submission).

Submission:

GeneDx
Classification: Uncertain significance. Last evaluated: 2020-10-30. Review status: criteria provided, single submitter. Criteria: GeneDx Variant Classification Process June 2021. Collection method: clinical testing. Allele origin: germline. Affected: yes.
Comment: Not observed in large population cohorts (Lek et al., 2016); In silico analysis supports that this missense variant does not alter protein structure/function; Has not been previously published as pathogenic or benign to our knowledge

NM_001127222.2(CACNA1A):c.3416C>T (p.Thr1139Ile)

Gene: CACNA1A (calcium voltage-gated channel subunit alpha1 A; minus strand). Cytogenetic location: 19p13.13.
Variant type: single nucleotide variant.
Coding change: c.3416C>T on transcript NM_001127222.2 (MANE Select); coding-DNA position 3416, C replaced by T.
Protein change: p.Thr1139Ile; replaces threonine 1139 with isoleucine.
Molecular consequence: missense variant.
Genome position (GRCh38, 1-based): chr19:13,286,640, G>A on the plus strand (C>T on the coding strand, the complement: CACNA1A is on the minus strand). VCF-style: chr19-13286640-G-A. GRCh37 (hg19) VCF-style: chr19-13397454-G-A.
Other names: c.3428C>T, p.Thr1143Ile (NM_000068.4, NM_023035.3); c.3419C>T, p.Thr1140Ile (NM_001127221.2, NM_001174080.2); short protein forms T1139I, T1140I, T1143I.
Identifiers: ClinVar variation 1313517 (VCV001313517.2), dbSNP rs2144887603, ClinGen allele CA404341419.
Genomic context (GRCh38, chr19:13,286,640, plus strand): 5'-GTCTTAGCTGAATTGGTCTGGGTGCCGCTGGGGTTGGTGACGATAAGGCTATTCTCGGGG[G>A]TCTTGGGGGGGCCGGGATTGGATGGGTTCCCCGGGTTGTTGGGCGTCCGGCGGCTGGCGG-3'
Protein context (NP_001120694.1, residues 1129-1149): GNPSNPGPPK[Thr1139Ile]PENSLIVTNP